The following is an entry in ClinVar:

NM_001267550.2(TTN):c.67302T>G (p.Tyr22434Ter)

Genes: TTN-AS1 (TTN antisense RNA 1; plus strand), TTN (titin; minus strand). Cytogenetic location: 2q31.2.
Variant type: single nucleotide variant.
Coding change: c.67302T>G on transcript NM_001267550.2 (MANE Select); coding-DNA position 67302, T replaced by G.
Protein change: p.Tyr22434Ter; replaces tyrosine 22434 with a stop codon.
Molecular consequence: nonsense.
Genome position (GRCh38, 1-based): chr2:178,579,985, A>C on the plus strand (T>G on the coding strand, the complement: TTN is on the minus strand). VCF-style: chr2-178579985-A-C. GRCh37 (hg19) VCF-style: chr2-179444712-A-C.
Other names: c.62379T>G, p.Tyr20793Ter (NM_001256850.1); c.40107T>G, p.Tyr13369Ter (NM_003319.4); c.59598T>G, p.Tyr19866Ter (NM_133378.4); c.40482T>G, p.Tyr13494Ter (NM_133432.3); c.40683T>G, p.Tyr13561Ter (NM_133437.4); short protein forms Y13369*, Y13494*, Y13561*, Y19866*, Y20793*, Y22434*.
Identifiers: ClinVar variation 1809788 (VCV001809788.2), dbSNP rs749000334, ClinGen allele CA349424044.

ClinVar aggregate classification (germline): Likely pathogenic. Review status: criteria provided, multiple submitters, no conflicts (2 of 4 stars). 2 submissions from 2 submitters: Likely pathogenic (2). Last evaluated 2025-10-27.

Conditions:
Dilated cardiomyopathy 1G (CMD1G). Identifiers: Orphanet 154, MedGen C1858763, MONDO:0011400, OMIM 604145.
Autosomal recessive limb-girdle muscular dystrophy type 2J (LGMDR10). Also called: MUSCULAR DYSTROPHY, LIMB-GIRDLE, AUTOSOMAL RECESSIVE 10; Limb-girdle muscular dystrophy, type 2J. Identifiers: Orphanet 140922, MedGen C1837342, MONDO:0012127, OMIM 608807.
Primary dilated cardiomyopathy (DCM). Also called: Dilated Cardiomyopathy. Identifiers: Orphanet 217604, MedGen C0007193, MeSH D002311, MONDO:0005021, HP:0001644. Inheritance: Various modes of inheritance.

Submissions (2):

Labcorp Genetics (formerly Invitae), Labcorp
Classification: Likely pathogenic for Dilated cardiomyopathy 1G; Autosomal recessive limb-girdle muscular dystrophy type 2J. Last evaluated: 2025-10-27. Review status: criteria provided, single submitter. Criteria: Invitae Variant Classification Sherloc (09022015). Collection method: clinical testing. Allele origin: germline.
Comment: This sequence change creates a premature translational stop signal (p.Tyr22434*) in the TTN gene. While this is not anticipated to result in nonsense mediated decay, it is expected to create a truncated TTN protein. This variant is not present in population databases (gnomAD no frequency). This variant has not been reported in the literature in individuals affected with TTN-related conditions. ClinVar contains an entry for this variant (Variation ID: 1809788). Algorithms developed to predict the effect of sequence changes on RNA splicing suggest that this variant may disrupt the consensus splice site. This variant is located in the A band of TTN (PMID: 25589632). Truncating variants in this region are significantly overrepresented in patients affected with dilated cardiomyopathy (PMID: 25589632). Truncating variants in this region have also been reported in individuals affected with autosomal recessive centronuclear myopathy (PMID: 23975875). In summary, the currently available evidence indicates that the variant is pathogenic, but additional data are needed to prove that conclusively. Therefore, this variant has been classified as Likely Pathogenic.

Center for Human Genetics, University of Leuven
Classification: Likely pathogenic for Primary dilated cardiomyopathy. Last evaluated: 2022-12-31. Review status: criteria provided, single submitter. Criteria: ACMG Guidelines, 2015. Collection method: clinical testing. Allele origin: germline. Affected: yes.

Literature cited by the submitters: PubMed 25589632 (cited by Labcorp Genetics (formerly Invitae), Labcorp); PubMed 23975875 (cited by Labcorp Genetics (formerly Invitae), Labcorp).